The following is an entry in ClinVar:

NM_000489.6(ATRX):c.5416A>G (p.Ile1806Val)

Gene: ATRX (ATRX chromatin remodeler; minus strand). Cytogenetic location: Xq21.1.
Variant type: single nucleotide variant.
Coding change: c.5416A>G on transcript NM_000489.6 (MANE Select); coding-DNA position 5416, A replaced by G.
Protein change: p.Ile1806Val; replaces isoleucine 1806 with valine.
Molecular consequence: missense variant.
Genome position (GRCh38, 1-based): chrX:77,618,838, T>C on the plus strand (A>G on the coding strand, the complement: ATRX is on the minus strand). VCF-style: chrX-77618838-T-C. GRCh37 (hg19) VCF-style: chrX-76874306-T-C.
Other names: c.5302A>G, p.Ile1768Val (NM_138270.5); short protein forms I1806V, I1768V.
Identifiers: ClinVar variation 957207 (VCV000957207.10), dbSNP rs2067467967, ClinGen allele CA413700664.

ClinVar aggregate classification (germline): Uncertain significance (1 of 4 stars; one submission).

Conditions:
Alpha thalassemia-X-linked intellectual disability syndrome (ATRX). Also called: ALPHA-THALASSEMIA/MENTAL RETARDATION SYNDROME, X-LINKED; ATR, NONDELETION TYPE; ATR-X syndrome; Alpha thalassemia mental retardation syndrome, nondeletion type, X-linked; XLMR hypotonic face syndrome; X-linked alpha-thalassemia-mental retardation syndrome. Identifiers: Orphanet 847, MedGen C1845055, MONDO:0010519, OMIM 301040.

Submission:

Labcorp Genetics (formerly Invitae), Labcorp
Classification: Uncertain significance for Alpha thalassemia-X-linked intellectual disability syndrome. Last evaluated: 2019-07-06. Review status: criteria provided, single submitter. Criteria: Invitae Variant Classification Sherloc (09022015). Collection method: clinical testing. Allele origin: germline.
Comment: This sequence change replaces isoleucine with valine at codon 1806 of the ATRX protein (p.Ile1806Val). The isoleucine residue is highly conserved and there is a small physicochemical difference between isoleucine and valine. In summary, the available evidence is currently insufficient to determine the role of this variant in disease. Therefore, it has been classified as a Variant of Uncertain Significance. Algorithms developed to predict the effect of missense changes on protein structure and function are either unavailable or do not agree on the potential impact of this missense change (SIFT: "Deleterious"; PolyPhen-2: "Possibly Damaging"; Align-GVGD: "Class C0"). This variant has not been reported in the literature in individuals with ATRX-related conditions. This variant is not present in population databases (ExAC no frequency).